The following is an entry in ClinVar:

NM_001083961.2(WDR62):c.4553G>C (p.Arg1518Thr)

Gene: WDR62 (WD repeat domain 62; plus strand). Cytogenetic location: 19q13.12.
Variant type: single nucleotide variant.
Coding change: c.4553G>C on transcript NM_001083961.2 (MANE Select); coding-DNA position 4553, G replaced by C.
Protein change: p.Arg1518Thr; replaces arginine 1518 with threonine.
Molecular consequence: missense variant.
Genome position (GRCh38, 1-based): chr19:36,105,009, G>C. VCF-style: chr19-36105009-G-C. GRCh37 (hg19) VCF-style: chr19-36595911-G-C.
Other names: c.4538G>C, p.Arg1513Thr (NM_001411145.1, NM_173636.5); c.4304G>C, p.Arg1435Thr (NM_001411146.1); c.4202G>C, p.Arg1401Thr (NM_001411147.1); short protein forms R1401T, R1435T, R1513T, R1518T.
Identifiers: ClinVar variation 2337055 (VCV002337055.29), dbSNP rs755052218, ClinGen allele CA9396605.

ClinVar aggregate classification (germline): Uncertain significance. Review status: criteria provided, multiple submitters, no conflicts (2 of 4 stars). 3 submissions from 3 submitters: Uncertain significance (3). Last evaluated 2025-03-31.

Conditions:
Inborn genetic diseases. Identifiers: MedGen C0950123, MeSH D030342.

Allele frequency attached by ClinVar (database versions not stated): TOPMed 0.00003; gnomAD 0.00004; ExAC 0.00006; gnomAD exomes 0.00008.
gnomAD v4.1: 124 of 1,600,286 alleles (0.0077%); highest among the groups gnomAD compares: Non-Finnish European, 0.01%; no homozygotes.

Submissions (3):

Labcorp Genetics (formerly Invitae), Labcorp
Classification: Uncertain significance. Last evaluated: 2025-03-31. Review status: criteria provided, single submitter. Criteria: Invitae Variant Classification Sherloc (09022015). Collection method: clinical testing. Allele origin: germline.
Comment: This sequence change replaces arginine, which is basic and polar, with threonine, which is neutral and polar, at codon 1518 of the WDR62 protein (p.Arg1518Thr). This variant is present in population databases (rs755052218, gnomAD 0.009%). This variant has not been reported in the literature in individuals affected with WDR62-related conditions. ClinVar contains an entry for this variant (Variation ID: 2337055). An algorithm developed to predict the effect of missense changes on protein structure and function (PolyPhen-2) suggests that this variant is likely to be disruptive. In summary, the available evidence is currently insufficient to determine the role of this variant in disease. Therefore, it has been classified as a Variant of Uncertain Significance.

CeGaT Center for Human Genetics Tuebingen
Classification: Uncertain significance. Last evaluated: 2023-10-01. Review status: criteria provided, single submitter. Criteria: CeGaT Center For Human Genetics Tuebingen Variant Classification Criteria Version 2. Collection method: clinical testing. Allele origin: germline. Affected: yes. Observed: 1 variant allele.
Comment: WDR62: PM2, BP4

Ambry Genetics
Classification: Uncertain significance for Inborn genetic diseases. Last evaluated: 2022-12-19. Review status: criteria provided, single submitter. Criteria: Ambry Variant Classification Scheme 2023. Collection method: clinical testing. Allele origin: germline.